The following is an entry in ClinVar:

ClinVar aggregate classification (germline): Uncertain significance (1 of 4 stars; one submission).

Conditions:
Benign neonatal seizures. Also called: Benign familial neonatal seizures; Benign familial neonatal epilepsy; Convulsions benign familial neonatal dominant form; Autosomal dominant form of benign neonatal seizures; Benign neonatal familial convulsions. Identifiers: Orphanet 1949, MedGen C0220669, MONDO:0016027.

Submission:

Labcorp Genetics (formerly Invitae), Labcorp
Classification: Uncertain significance for Benign neonatal seizures. Last evaluated: 2024-05-27. Review status: criteria provided, single submitter. Criteria: Invitae Variant Classification Sherloc (09022015). Collection method: clinical testing. Allele origin: germline.
Comment: This variant, c.78_104del, results in the deletion of 9 amino acid(s) of the KCNQ3 protein (p.Asn27_Ala35del), but otherwise preserves the integrity of the reading frame. This variant is not present in population databases (gnomAD no frequency). This variant has not been reported in the literature in individuals affected with KCNQ3-related conditions. Experimental studies and prediction algorithms are not available or were not evaluated, and the functional significance of this variant is currently unknown. In summary, the available evidence is currently insufficient to determine the role of this variant in disease. Therefore, it has been classified as a Variant of Uncertain Significance.

NM_004519.4(KCNQ3):c.78_104del (p.Asn27_Ala35del)

Gene: KCNQ3 (potassium voltage-gated channel subfamily Q member 3; minus strand). Cytogenetic location: 8q24.22.
Variant type: Deletion.
Coding change: c.78_104del on transcript NM_004519.4 (MANE Select); coding-DNA positions 78 to 104, 27 bases deleted (TAACCCAGCCGGAGGGGACGCGGCGGC).
Protein change: p.Asn27_Ala35del.
Molecular consequence: inframe deletion.
Genome position (GRCh38, 1-based): chr8:132,480,429-132,480,455, GCCGCCGCGTCCCCTCCGGCTGGGTTA deleted on the plus strand (TAACCCAGCCGGAGGGGACGCGGCGGC on the coding strand, the reverse complement: KCNQ3 is on the minus strand); deleting any 27 consecutive bases within chr8:132,480,429-132,480,461 gives the same sequence; the c. name uses the placement nearest the transcript's 3' end. VCF-style (leftmost placement, unchanged base first): chr8-132480428-CGCCGCCGCGTCCCCTCCGGCTGGGTTA-C. GRCh37 (hg19) VCF-style: chr8-133492675-CGCCGCCGCGTCCCCTCCGGCTGGGTTA-C.
Identifiers: ClinVar variation 3626170 (VCV003626170.2).